The following is an entry in ClinVar:

NM_000350.3(ABCA4):c.6109G>A (p.Ala2037Thr)

Gene: ABCA4 (ATP binding cassette subfamily A member 4; minus strand). Cytogenetic location: 1p22.1.
Variant type: single nucleotide variant.
Coding change: c.6109G>A on transcript NM_000350.3 (MANE Select); coding-DNA position 6109, G replaced by A.
Protein change: p.Ala2037Thr; replaces alanine 2037 with threonine.
Molecular consequence: missense variant.
Genome position (GRCh38, 1-based): chr1:94,005,479, C>T on the plus strand (G>A on the coding strand, the complement: ABCA4 is on the minus strand). VCF-style: chr1-94005479-C-T. GRCh37 (hg19) VCF-style: chr1-94471035-C-T.
Other names: c.5887G>A, p.Ala1963Thr (NM_001425324.1); short protein forms A2037T, A1963T.
Identifiers: ClinVar variation 1302943 (VCV001302943.9), dbSNP rs756555985, ClinGen allele CA957027.

ClinVar aggregate classification (germline): Conflicting classifications of pathogenicity. Review status: criteria provided, conflicting classifications (1 of 4 stars). 2 submissions from 2 submitters: Pathogenic (1); Uncertain significance (1). Last evaluated 2025-08-26.

Allele frequency attached by ClinVar (database versions not stated): TOPMed below 0.00001; gnomAD 0.00001; gnomAD exomes 0.00001 and 0.00002; ExAC 0.00002.
gnomAD v4.1: 14 of 1,614,014 alleles (0.00087%); highest among the groups gnomAD compares: South Asian, 0.015%; no homozygotes.

Submissions (2):

Labcorp Genetics (formerly Invitae), Labcorp
Classification: Pathogenic. Last evaluated: 2025-08-26. Review status: criteria provided, single submitter. Criteria: Invitae Variant Classification Sherloc (09022015). Collection method: clinical testing. Allele origin: germline.
Comment: This sequence change replaces alanine, which is neutral and non-polar, with threonine, which is neutral and polar, at codon 2037 of the ABCA4 protein (p.Ala2037Thr). This variant is present in population databases (rs756555985, gnomAD 0.01%). This missense change has been observed in individual(s) with Stargardt disease (internal data). ClinVar contains an entry for this variant (Variation ID: 1302943). Invitae Evidence Modeling of protein sequence and biophysical properties (such as structural, functional, and spatial information, amino acid conservation, physicochemical variation, residue mobility, and thermodynamic stability) indicates that this missense variant is expected to disrupt ABCA4 protein function with a positive predictive value of 95%. This variant disrupts the p.Ala2037 amino acid residue in ABCA4. Other variant(s) that disrupt this residue have been determined to be pathogenic (PMID: 30060493). This suggests that this residue is clinically significant, and that variants that disrupt this residue are likely to be disease-causing. For these reasons, this variant has been classified as Pathogenic.

GeneDx
Classification: Uncertain significance. Last evaluated: 2020-06-04. Review status: criteria provided, single submitter. Criteria: GeneDx Variant Classification Process June 2021. Collection method: clinical testing. Allele origin: germline. Affected: yes.
Comment: In silico analysis supports that this missense variant has a deleterious effect on protein structure/function

Literature cited by the submitters: PubMed 30060493 (cited by Labcorp Genetics (formerly Invitae), Labcorp).